The following is an entry in ClinVar:

ClinVar aggregate classification (germline): Uncertain significance. Review status: criteria provided, multiple submitters, no conflicts (2 of 4 stars). 3 submissions from 3 submitters: Uncertain significance (3). Last evaluated 2024-03-18.

Conditions:
Acrocallosal syndrome (ACLS). Also called: HALLUX DUPLICATION, POSTAXIAL POLYDACTYLY, AND ABSENCE OF CORPUS CALLOSUM; Schinzel syndrome 1; Absence of corpus callosum with unusual facial appearance, mental deficiency, duplication of the halluces and polydactyly. Identifiers: Orphanet 36, MedGen C0796147, MONDO:0008708, OMIM 200990.
Multiple epiphyseal dysplasia, Al-Gazali type. Also called: Macrocephaly with multiple epiphyseal dysplasia and distinctive facies. Identifiers: Orphanet 166024, MedGen C1846722, MONDO:0011778, OMIM 607131.
Hydrolethalus syndrome 2 (HLS2). Identifiers: Orphanet 2189, MedGen C3279899, MONDO:0013585, OMIM 614120.
Inborn genetic diseases. Identifiers: MedGen C0950123, MeSH D030342.

Allele frequency attached by ClinVar (database versions not stated): gnomAD exomes 0.00001 and 0.00002; TOPMed 0.00001; ExAC 0.00002.
gnomAD v4.1: 6 of 1,614,104 alleles (0.00037%); highest among the groups gnomAD compares: Admixed American, 0.0083%; no homozygotes.

Submissions (3):

Fulgent Genetics
Classification: Uncertain significance for Acrocallosal syndrome; Multiple epiphyseal dysplasia, Al-Gazali type; Hydrolethalus syndrome 2. Last evaluated: 2024-03-18. Review status: criteria provided, single submitter. Criteria: ACMG Guidelines, 2015. Collection method: clinical testing. Allele origin: germline.

Ambry Genetics
Classification: Uncertain significance for Inborn genetic diseases. Last evaluated: 2024-01-03. Review status: criteria provided, single submitter. Criteria: Ambry Variant Classification Scheme 2023. Collection method: clinical testing. Allele origin: germline.

Labcorp Genetics (formerly Invitae), Labcorp
Classification: Uncertain significance for Acrocallosal syndrome. Last evaluated: 2021-11-30. Review status: criteria provided, single submitter. Criteria: Invitae Variant Classification Sherloc (09022015). Collection method: clinical testing. Allele origin: germline.
Comment: This sequence change replaces asparagine, which is neutral and polar, with threonine, which is neutral and polar, at codon 1083 of the KIF7 protein (p.Asn1083Thr). This variant is present in population databases (rs746652178, gnomAD 0.01%). This variant has not been reported in the literature in individuals affected with KIF7-related conditions. Algorithms developed to predict the effect of missense changes on protein structure and function (SIFT, PolyPhen-2, Align-GVGD) all suggest that this variant is likely to be disruptive. In summary, the available evidence is currently insufficient to determine the role of this variant in disease. Therefore, it has been classified as a Variant of Uncertain Significance.

NM_198525.3(KIF7):c.3248A>C (p.Asn1083Thr)

Gene: KIF7 (kinesin family member 7; minus strand). Cytogenetic location: 15q26.1.
Variant type: single nucleotide variant.
Coding change: c.3248A>C on transcript NM_198525.3 (MANE Select); coding-DNA position 3248, A replaced by C.
Protein change: p.Asn1083Thr; replaces asparagine 1083 with threonine.
Molecular consequence: missense variant.
Genome position (GRCh38, 1-based): chr15:89,630,357, T>G on the plus strand (A>C on the coding strand, the complement: KIF7 is on the minus strand). VCF-style: chr15-89630357-T-G. GRCh37 (hg19) VCF-style: chr15-90173588-T-G.
Other names: c.3248A>C (NM_198525.2); short protein forms N1083T.
Identifiers: ClinVar variation 1521462 (VCV001521462.5), dbSNP rs746652178, ClinGen allele CA7727787.